The following is an entry in ClinVar:

NM_032888.4(COL27A1):c.2124+3A>T

Gene: COL27A1 (collagen type XXVII alpha 1 chain; plus strand). Cytogenetic location: 9q32.
Variant type: single nucleotide variant.
Coding change: c.2124+3A>T on transcript NM_032888.4 (MANE Select); 3 bases into the intron after coding-DNA position 2124, A replaced by T.
Molecular consequence: intron variant.
Genome position (GRCh38, 1-based): chr9:114,196,015, A>T. VCF-style: chr9-114196015-A-T. GRCh37 (hg19) VCF-style: chr9-116958295-A-T.
Identifiers: ClinVar variation 2022316 (VCV002022316.4), dbSNP rs2490803382, ClinGen allele CA2580079443.

ClinVar aggregate classification (germline): Uncertain significance (1 of 4 stars; one submission).

Submission:

Labcorp Genetics (formerly Invitae), Labcorp
Classification: Uncertain significance. Last evaluated: 2022-08-06. Review status: criteria provided, single submitter. Criteria: Invitae Variant Classification Sherloc (09022015). Collection method: clinical testing. Allele origin: germline.
Comment: In summary, the available evidence is currently insufficient to determine the role of this variant in disease. Therefore, it has been classified as a Variant of Uncertain Significance. Variants that disrupt the consensus splice site are a relatively common cause of aberrant splicing (PMID: 17576681, 9536098). Algorithms developed to predict the effect of sequence changes on RNA splicing suggest that this variant may disrupt the consensus splice site. This variant has not been reported in the literature in individuals affected with COL27A1-related conditions. This variant is not present in population databases (gnomAD no frequency). This sequence change falls in intron 7 of the COL27A1 gene. It does not directly change the encoded amino acid sequence of the COL27A1 protein. It affects a nucleotide within the consensus splice site.

Literature cited by the submitters: PubMed 17576681; PubMed 9536098.